The following is an entry in ClinVar:

NM_003245.4(TGM3):c.847+4C>T

Gene: TGM3 (transglutaminase 3; plus strand). Cytogenetic location: 20p13.
Variant type: single nucleotide variant.
Coding change: c.847+4C>T on transcript NM_003245.4 (MANE Select); 4 bases into the intron after coding-DNA position 847, C replaced by T.
Molecular consequence: intron variant.
Genome position (GRCh38, 1-based): chr20:2,317,249, C>T. VCF-style: chr20-2317249-C-T. GRCh37 (hg19) VCF-style: chr20-2297895-C-T.
Identifiers: ClinVar variation 3350265 (VCV003350265.1).

ClinVar aggregate classification (germline): Likely benign (0 of 4 stars; one submission).

Conditions:
TGM3-related disorder. Also called: TGM3-related condition.

gnomAD v4.1: 113 of 1,614,040 alleles (0.007%); highest among the groups gnomAD compares: African/African-American, 0.14%; no homozygotes.

Submission:

PreventionGenetics, part of Exact Sciences
Classification: Likely benign for TGM3-related condition. Last evaluated: 2024-08-15. Review status: no assertion criteria provided. Collection method: clinical testing. Allele origin: germline.
Comment: This variant is classified as likely benign based on ACMG/AMP sequence variant interpretation guidelines (Richards et al. 2015 PMID: 25741868, with internal and published modifications).